The following is an entry in ClinVar:

ClinVar aggregate classification (germline): Pathogenic (1 of 4 stars; one submission).

Submission:

Labcorp Genetics (formerly Invitae), Labcorp
Classification: Pathogenic. Last evaluated: 2023-07-17. Review status: criteria provided, single submitter. Criteria: Invitae Variant Classification Sherloc (09022015). Collection method: clinical testing. Allele origin: germline.
Comment: This sequence change creates a premature translational stop signal (p.Thr714Asnfs*9) in the VPS13A gene. It is expected to result in an absent or disrupted protein product. Loss-of-function variants in VPS13A are known to be pathogenic (PMID: 12404112, 21598378). For these reasons, this variant has been classified as Pathogenic. Algorithms developed to predict the effect of sequence changes on RNA splicing suggest that this variant may disrupt the consensus splice site. ClinVar contains an entry for this variant (Variation ID: 1384622). This variant has not been reported in the literature in individuals affected with VPS13A-related conditions. This variant is not present in population databases (gnomAD no frequency).

Literature cited by the submitters: PubMed 12404112; PubMed 21598378.

NM_033305.3(VPS13A):c.2140dup (p.Thr714fs)

Gene: VPS13A (vacuolar protein sorting 13 homolog A; plus strand). Cytogenetic location: 9q21.2.
Variant type: Duplication.
Coding change: c.2140dup on transcript NM_033305.3 (MANE Select); coding-DNA position 2140, one base duplicated (A; older notation c.2140dupA).
Protein change: p.Thr714fs; shifts the reading frame from threonine 714.
Molecular consequence: frameshift variant.
Genome position (GRCh38, 1-based): chr9:77,250,199, A duplicated. VCF-style (leftmost placement, unchanged base first): chr9-77250198-T-TA. GRCh37 (hg19) VCF-style: chr9-79865114-T-TA.
Other names: c.2140dup, p.Thr714fs (NM_001018037.2, NM_001018038.3, NM_015186.4); short protein forms T714fs.
Identifiers: ClinVar variation 1384622 (VCV001384622.6), dbSNP rs2131267421, ClinGen allele CA2573144704.